The following is an entry in ClinVar:

NM_000553.6(WRN):c.3749A>G (p.Asn1250Ser)

Gene: WRN (WRN RecQ like helicase; plus strand). Cytogenetic location: 8p12.
Variant type: single nucleotide variant.
Coding change: c.3749A>G on transcript NM_000553.6 (MANE Select); coding-DNA position 3749, A replaced by G.
Protein change: p.Asn1250Ser; replaces asparagine 1250 with serine.
Molecular consequence: missense variant.
Genome position (GRCh38, 1-based): chr8:31,154,685, A>G. VCF-style: chr8-31154685-A-G. GRCh37 (hg19) VCF-style: chr8-31012201-A-G.
Other names: short protein forms N1250S.
Identifiers: ClinVar variation 846183 (VCV000846183.6), dbSNP rs1444923615, ClinGen allele CA370929068.

ClinVar aggregate classification (germline): Uncertain significance (1 of 4 stars; one submission).

Conditions:
Werner syndrome (WRN). Identifiers: Orphanet 902, MedGen C0043119, MONDO:0010196, OMIM 277700.

Allele frequency attached by ClinVar (database versions not stated): gnomAD exomes below 0.00001 and 0.00002.
gnomAD v4.1: 28 of 1,613,706 alleles (0.0017%); highest among the groups gnomAD compares: Non-Finnish European, 0.0022%; no homozygotes.

Submission:

Labcorp Genetics (formerly Invitae), Labcorp
Classification: Uncertain significance for Werner syndrome. Last evaluated: 2024-10-23. Review status: criteria provided, single submitter. Criteria: Invitae Variant Classification Sherloc (09022015). Collection method: clinical testing. Allele origin: germline.
Comment: This sequence change replaces asparagine, which is neutral and polar, with serine, which is neutral and polar, at codon 1250 of the WRN protein (p.Asn1250Ser). This variant is present in population databases (no rsID available, gnomAD 0.0009%). This variant has not been reported in the literature in individuals affected with WRN-related conditions. ClinVar contains an entry for this variant (Variation ID: 846183). An algorithm developed to predict the effect of missense changes on protein structure and function (PolyPhen-2) suggests that this variant is likely to be tolerated. In summary, the available evidence is currently insufficient to determine the role of this variant in disease. Therefore, it has been classified as a Variant of Uncertain Significance.